The following is an entry in ClinVar:

ClinVar aggregate classification (germline): Uncertain significance (1 of 4 stars; one submission).

Conditions:
Hereditary cancer-predisposing syndrome. Also called: Tumor predisposition; Hereditary Cancer Syndrome; Neoplastic Syndromes, Hereditary; Hereditary neoplastic syndrome. Identifiers: Orphanet 140162, MedGen C0027672, MeSH D009386, MONDO:0015356.

Submission:

Ambry Genetics
Classification: Uncertain significance for Hereditary cancer-predisposing syndrome. Last evaluated: 2019-06-05. Review status: criteria provided, single submitter. Criteria: Ambry Variant Classification Scheme 2023. Collection method: clinical testing. Allele origin: germline.
Comment: The p.M878L variant (also known as c.2632A>C), located in coding exon 18 of the SMARCA4 gene, results from an A to C substitution at nucleotide position 2632. The methionine at codon 878 is replaced by leucine, an amino acid with highly similar properties. This amino acid position is highly conserved in available vertebrate species. In addition, the in silico prediction for this alteration is inconclusive. Since supporting evidence is limited at this time, the clinical significance of this alteration remains unclear.

NM_003072.5(SMARCA4):c.2632A>C (p.Met878Leu)

Gene: SMARCA4 (SWI/SNF related BAF chromatin remodeling complex subunit ATPase 4; plus strand). Cytogenetic location: 19p13.2.
Variant type: single nucleotide variant.
Coding change: c.2632A>C on transcript NM_003072.5 (MANE Select); coding-DNA position 2632, A replaced by C.
Protein change: p.Met878Leu; replaces methionine 878 with leucine.
Molecular consequence: missense variant. On other transcripts: non-coding transcript variant (1).
Genome position (GRCh38, 1-based): chr19:11,021,740, A>C. VCF-style: chr19-11021740-A-C. GRCh37 (hg19) VCF-style: chr19-11132416-A-C.
Other names: c.2632A>C, p.Met878Leu (NM_001128844.3, NM_001128845.2, NM_001128846.2 and 4 more transcripts); short protein forms M878L.
Identifiers: ClinVar variation 821611 (VCV000821611.4), dbSNP rs1600277843, ClinGen allele CA404055596.
Genomic context (GRCh38, chr19:11,021,740, plus strand): 5'-CCACCTGCTGCCCCCTGCCCTGATTGCCCACTCTGGGGCCCGCAGATCCGTTGGAAGTAC[A>C]TGATTGTGGACGAAGGTCACCGCATGAAGAACCACCACTGCAAGCTGACGCAGGTGCTCA-3'
Protein context (NP_003063.2, residues 868-888): HILAKIRWKY[Met878Leu]IVDEGHRMKN